The following is an entry in ClinVar:

ClinVar aggregate classification (germline): Uncertain significance. Review status: criteria provided, multiple submitters, no conflicts (2 of 4 stars). 3 submissions from 3 submitters: Uncertain significance (3). Last evaluated 2026-04-06.

Conditions:
Inborn genetic diseases. Identifiers: MedGen C0950123, MeSH D030342.

Allele frequency attached by ClinVar (database versions not stated): TOPMed below 0.00001.

Submissions (3):

Ambry Genetics
Classification: Uncertain significance for Inborn genetic diseases. Last evaluated: 2026-04-06. Review status: criteria provided, single submitter. Criteria: Ambry Variant Classification Scheme 2023. Collection method: clinical testing. Allele origin: germline.

Blueprint Genetics
Classification: Uncertain significance. Last evaluated: 2023-12-28. Review status: criteria provided, single submitter. Criteria: ACMG Guidelines, 2015. Collection method: clinical testing. Allele origin: germline.

GeneDx
Classification: Uncertain significance. Last evaluated: 2023-10-10. Review status: criteria provided, single submitter. Criteria: GeneDx Variant Classification Process June 2021. Collection method: clinical testing. Allele origin: germline.
Comment: Not observed at significant frequency in large population cohorts (gnomAD); In silico analysis supports that this missense variant has a deleterious effect on protein structure/function; Has not been previously published as pathogenic or benign to our knowledge

NM_020971.3(SPTBN4):c.3401C>T (p.Ala1134Val)

Gene: SPTBN4 (spectrin beta, non-erythrocytic 4; plus strand). Cytogenetic location: 19q13.2.
Variant type: single nucleotide variant.
Coding change: c.3401C>T on transcript NM_020971.3 (MANE Select); coding-DNA position 3401, C replaced by T.
Protein change: p.Ala1134Val; replaces alanine 1134 with valine.
Molecular consequence: missense variant.
Genome position (GRCh38, 1-based): chr19:40,519,898, C>T. VCF-style: chr19-40519898-C-T. GRCh37 (hg19) VCF-style: chr19-41025805-C-T.
Other names: short protein forms A1134V.
Identifiers: ClinVar variation 2502778 (VCV002502778.3), dbSNP rs894032768, ClinGen allele CA308427417.
Genomic context (GRCh38, chr19:40,519,898, plus strand): 5'-GCGAGGGGCCCCTGCCCAACAGCCTAGAAGAGGCGGACGCGCTGCTGGCGCGCCACGCTG[C>T]GCTCAAGGAGGAGGTGGACCAGCGCGAGGAAGACTATGCTCGCATCGTGGCGGCCAGCGA-3'
Protein context (NP_066022.2, residues 1124-1144): EADALLARHA[Ala1134Val]LKEEVDQREE